The following is an entry in ClinVar:

NM_012235.4(SCAP):c.1719G>A (p.Pro573=)

Gene: SCAP (SREBF chaperone; minus strand). Cytogenetic location: 3p21.31.
Variant type: single nucleotide variant.
Coding change: c.1719G>A on transcript NM_012235.4 (MANE Select); coding-DNA position 1719, G replaced by A.
Protein change: p.Pro573=; no amino-acid change (proline 573 retained).
Molecular consequence: synonymous variant.
Genome position (GRCh38, 1-based): chr3:47,419,549, C>T on the plus strand (G>A on the coding strand, the complement: SCAP is on the minus strand). VCF-style: chr3-47419549-C-T. GRCh37 (hg19) VCF-style: chr3-47461039-C-T.
Other names: c.954G>A, p.Pro318= (NM_001320044.2).
Identifiers: ClinVar variation 2653763 (VCV002653763.24), dbSNP rs141351370, ClinGen allele CA2367449.

ClinVar aggregate classification (germline): Likely benign (1 of 4 stars; one submission).

Allele frequency attached by ClinVar (database versions not stated): 1000 Genomes Project 30x 0.00016; 1000 Genomes Project 0.00020; ExAC 0.00052; gnomAD 0.00072; TOPMed 0.00082; ESP Exome Variant Server 0.00115; gnomAD exomes 0.00117.
gnomAD v4.1: 1,827 of 1,613,308 alleles (0.11%); highest among the groups gnomAD compares: Non-Finnish European, 0.14%; 1 homozygote.

Submission:

CeGaT Center for Human Genetics Tuebingen
Classification: Likely benign. Last evaluated: 2023-01-01. Review status: criteria provided, single submitter. Criteria: CeGaT Center For Human Genetics Tuebingen Variant Classification Criteria Version 2. Collection method: clinical testing. Allele origin: germline. Affected: yes. Observed: 1 variant allele.
Comment: SCAP: BP4, BP7